The following is an entry in ClinVar:

NM_183357.3(ADCY5):c.2917G>A (p.Gly973Arg)

Gene: ADCY5 (adenylate cyclase 5; minus strand). Cytogenetic location: 3q21.1.
Variant type: single nucleotide variant.
Coding change: c.2917G>A on transcript NM_183357.3 (MANE Select); coding-DNA position 2917, G replaced by A.
Protein change: p.Gly973Arg; replaces glycine 973 with arginine.
Molecular consequence: missense variant.
Genome position (GRCh38, 1-based): chr3:123,297,366, C>T on the plus strand (G>A on the coding strand, the complement: ADCY5 is on the minus strand). VCF-style: chr3-123297366-C-T. GRCh37 (hg19) VCF-style: chr3-123016213-C-T.
Other names: c.1867G>A, p.Gly623Arg (NM_001199642.1); c.2917G>A, p.Gly973Arg (NM_001378259.1); short protein forms G973R, G623R.
Identifiers: ClinVar variation 2174217 (VCV002174217.4), dbSNP rs749564195, ClinGen allele CA2576935.

ClinVar aggregate classification (germline): Uncertain significance (1 of 4 stars; one submission).

Allele frequency attached by ClinVar (database versions not stated): gnomAD 0.00001; ExAC 0.00002; TOPMed 0.00003.
gnomAD v4.1: 19 of 1,613,878 alleles (0.0012%); highest among the groups gnomAD compares: Admixed American, 0.0067%; no homozygotes.

Submission:

Labcorp Genetics (formerly Invitae), Labcorp
Classification: Uncertain significance. Last evaluated: 2022-08-16. Review status: criteria provided, single submitter. Criteria: Invitae Variant Classification Sherloc (09022015). Collection method: clinical testing. Allele origin: germline.
Comment: This sequence change replaces glycine, which is neutral and non-polar, with arginine, which is basic and polar, at codon 973 of the ADCY5 protein (p.Gly973Arg). This variant is present in population databases (rs749564195, gnomAD 0.01%). This variant has not been reported in the literature in individuals affected with ADCY5-related conditions. Advanced modeling of protein sequence and biophysical properties (such as structural, functional, and spatial information, amino acid conservation, physicochemical variation, residue mobility, and thermodynamic stability) performed at Invitae indicates that this missense variant is not expected to disrupt ADCY5 protein function. In summary, the available evidence is currently insufficient to determine the role of this variant in disease. Therefore, it has been classified as a Variant of Uncertain Significance.